The following is an entry in ClinVar:

NM_007254.4(PNKP):c.1232C>T (p.Thr411Ile)

Gene: PNKP (polynucleotide kinase 3'-phosphatase; minus strand). Cytogenetic location: 19q13.33.
Variant type: single nucleotide variant.
Coding change: c.1232C>T on transcript NM_007254.4 (MANE Select); coding-DNA position 1232, C replaced by T.
Protein change: p.Thr411Ile; replaces threonine 411 with isoleucine.
Molecular consequence: missense variant.
Genome position (GRCh38, 1-based): chr19:49,861,838, G>A on the plus strand (C>T on the coding strand, the complement: PNKP is on the minus strand). VCF-style: chr19-49861838-G-A. GRCh37 (hg19) VCF-style: chr19-50365095-G-A.
Other names: short protein forms T411I.
Identifiers: ClinVar variation 430075 (VCV000430075.8), dbSNP rs868384150, ClinGen allele CA309540076.

ClinVar aggregate classification (germline): Uncertain significance. Review status: criteria provided, multiple submitters, no conflicts (2 of 4 stars). 2 submissions from 2 submitters: Uncertain significance (2). Last evaluated 2017-07-19.

Conditions:
Developmental and epileptic encephalopathy, 12 (DEE12). Identifiers: MedGen C3150988, MONDO:0013389, OMIM 613722.

Allele frequency attached by ClinVar (database versions not stated): gnomAD 0.00001; TOPMed 0.00001.
gnomAD v4.1: 3 of 1,593,002 alleles (0.00019%); highest among the groups gnomAD compares: Admixed American, 0.0017%; no homozygotes.

Submissions (2):

Labcorp Genetics (formerly Invitae), Labcorp
Classification: Uncertain significance for Developmental and epileptic encephalopathy, 12. Last evaluated: 2017-07-19. Review status: criteria provided, single submitter. Criteria: Invitae Variant Classification Sherloc (09022015). Collection method: clinical testing. Allele origin: germline.
Comment: In summary, the available evidence is currently insufficient to determine the role of this variant in disease. Therefore, it has been classified as a Variant of Uncertain Significance. Algorithms developed to predict the effect of missense changes on protein structure and function (SIFT, PolyPhen-2, Align-GVGD) all suggest that this variant is likely to be tolerated, but these predictions have not been confirmed by published functional studies and their clinical significance is uncertain. This variant has not been reported in the literature in individuals with PNKP-related disease. This variant is not present in population databases (ExAC no frequency). This sequence change replaces threonine with isoleucine at codon 411 of the PNKP protein (p.Thr411Ile). The threonine residue is weakly conserved and there is a moderate physicochemical difference between threonine and isoleucine.

GeneDx
Classification: Uncertain significance. Last evaluated: 2017-05-16. Review status: criteria provided, single submitter. Criteria: GeneDx Variant Classification (06012015). Collection method: clinical testing. Allele origin: germline. Affected: yes.
Comment: A variant of uncertain significance has been identified in the PNKP gene. The T411I variant has not been published as a pathogenic variant, nor has it been reported as a benign variant to our knowledge. The T411I variant is not observed in large population cohorts (Lek et al., 2016; 1000 Genomes Consortium et al., 2015; Exome Variant Server). The T411I variant is a non-conservative amino acid substitution, which is likely to impact secondary protein structure as these residues differ in polarity, charge, size and/or other properties. However, this substitution occurs at a position that is not conserved. In silico analysis predicts this variant likely does not alter the protein structure/function. Therefore, based on the currently available information, it is unclear whether this variant is a pathogenic variant or a rare benign variant.